The following is an entry in ClinVar:

ClinVar aggregate classification (germline): Uncertain significance (1 of 4 stars; one submission).

Allele frequency attached by ClinVar (database versions not stated): gnomAD exomes below 0.00001.
gnomAD v4.1: 2 of 1,613,124 alleles (0.00012%); highest among the groups gnomAD compares: Admixed American, 0.0017%; no homozygotes.

Submission:

Labcorp Genetics (formerly Invitae), Labcorp
Classification: Uncertain significance. Last evaluated: 2022-01-15. Review status: criteria provided, single submitter. Criteria: Invitae Variant Classification Sherloc (09022015). Collection method: clinical testing. Allele origin: germline.
Comment: This sequence change replaces proline, which is neutral and non-polar, with serine, which is neutral and polar, at codon 322 of the TYRP1 protein (p.Pro322Ser). This variant is present in population databases (no rsID available, gnomAD 0.003%). This variant has not been reported in the literature in individuals affected with TYRP1-related conditions. Algorithms developed to predict the effect of missense changes on protein structure and function are either unavailable or do not agree on the potential impact of this missense change (SIFT: "Tolerated"; PolyPhen-2: "Probably Damaging"; Align-GVGD: "Class C0"). In summary, the available evidence is currently insufficient to determine the role of this variant in disease. Therefore, it has been classified as a Variant of Uncertain Significance.

NM_000550.3(TYRP1):c.964C>T (p.Pro322Ser)

Genes: LURAP1L-AS1 (LURAP1L antisense RNA 1; minus strand), TYRP1 (tyrosinase related protein 1; plus strand). Cytogenetic location: 9p23.
Variant type: single nucleotide variant.
Coding change: c.964C>T on transcript NM_000550.3 (MANE Select); coding-DNA position 964, C replaced by T.
Protein change: p.Pro322Ser; replaces proline 322 with serine.
Molecular consequence: missense variant.
Genome position (GRCh38, 1-based): chr9:12,702,321, C>T. VCF-style: chr9-12702321-C-T. GRCh37 (hg19) VCF-style: chr9-12702321-C-T.
Other names: short protein forms P322S.
Identifiers: ClinVar variation 1916814 (VCV001916814.2), dbSNP rs1357822284, ClinGen allele CA372941607.